The following is an entry in ClinVar:

NM_000466.3(PEX1):c.1876_1879del (p.Arg626fs)

Gene: PEX1 (peroxisomal biogenesis factor 1; minus strand). Cytogenetic location: 7q21.2.
Variant type: Microsatellite.
Coding change: c.1876_1879del on transcript NM_000466.3 (MANE Select); coding-DNA positions 1876 to 1879, 4 bases deleted (AGAG; older notation c.1876_1879delAGAG).
Protein change: p.Arg626fs; shifts the reading frame from arginine 626.
Molecular consequence: frameshift variant.
Genome position (GRCh38, 1-based): chr7:92,506,269-92,506,272, CTCT deleted on the plus strand (AGAG on the coding strand, the reverse complement: PEX1 is on the minus strand); deleting any 4 consecutive bases within chr7:92,506,269-92,506,275 gives the same sequence; the c. name uses the placement nearest the transcript's 3' end. VCF-style (leftmost placement, unchanged base first): chr7-92506268-ACTCT-A. GRCh37 (hg19) VCF-style: chr7-92135582-ACTCT-A.
Other names: c.1876_1879del, p.Arg626fs (NM_001282677.2); c.1252_1255del, p.Arg418fs (NM_001282678.2); short protein forms R418fs, R626fs.
Identifiers: ClinVar variation 4818388 (VCV004818388.2).

ClinVar aggregate classification (germline): Pathogenic/Likely pathogenic. Review status: criteria provided, multiple submitters, no conflicts (2 of 4 stars). 2 submissions from 2 submitters: Pathogenic (1); Likely pathogenic (1). Last evaluated 2024-11-29.

Conditions:
Zellweger spectrum disorders (ZS). Also called: Zellweger Spectrum Disorder; Zellweger Spectrum; Zellweger syndrome; Zellweger Spectrum Disorder (ZSD). Identifiers: Orphanet 912, MedGen C0043459, MONDO:0019609.
Peroxisome biogenesis disorder. Identifiers: Orphanet 79189, MedGen C1832200, MONDO:0019234. Disease mechanism: loss of function.

Submissions (2):

Natera, Inc.
Classification: Likely pathogenic for Zellweger syndrome. Last evaluated: 2024-11-29. Review status: criteria provided, single submitter. Criteria: Natera Variant Classification Schema (03/2026). Collection method: clinical testing. Allele origin: germline.
Comment: The c.1876_1879delAGAG variant in PEX1 is a frameshift variant predicted to shift the reading frame beginning at codon 626 and leads to a stop codon 18 codons downstream. This variant is expected to result in nonsense mediated decay, truncation, or a dysfunctional protein product. This variant is rare in the general population with a frequency below the threshold expected for the associated phenotype(s). Given the available evidence, this variant is classified as Likely Pathogenic.

Myriad Genetics, Inc.
Classification: Pathogenic for Peroxisome biogenesis disorder. Last evaluated: 2024-05-06. Review status: criteria provided, single submitter. Criteria: Myriad Autosomal Dominant, Autosomal Recessive and X-Linked Classification Criteria (2023). Collection method: clinical testing. Allele origin: unknown.
Comment: NM_000466.2(PEX1):c.1876_1879delAGAG(R626Lfs*18) is expected to be pathogenic in the context of peroxisome biogenesis disorder type 1. This variant is predicted to lead to an abnormal or absent protein product due to the creation of a premature termination codon in PEX1, a gene where loss-of-function variants are known to be pathogenic. Please note: this variant was assessed in the context of healthy population screening.